The following is an entry in ClinVar:

NM_000256.3(MYBPC3):c.3746dup (p.Ile1250fs)

Gene: MYBPC3 (myosin binding protein C3; minus strand). Cytogenetic location: 11p11.2.
Variant type: Duplication.
Coding change: c.3746dup on transcript NM_000256.3 (MANE Select); coding-DNA position 3746, one base duplicated (G; older notation c.3746dupG).
Protein change: p.Ile1250fs; shifts the reading frame from isoleucine 1250.
Molecular consequence: frameshift variant.
Genome position (GRCh38, 1-based): chr11:47,332,140, C duplicated on the plus strand (G on the coding strand, the reverse complement: MYBPC3 is on the minus strand); the first of 5 consecutive C bases (chr11:47,332,140-47,332,144); duplicating any one gives the same sequence. VCF-style (leftmost placement, unchanged base first): chr11-47332139-G-GC. GRCh37 (hg19) VCF-style: chr11-47353690-G-GC.
Other names: c.3746dupG (NM_000256.3); short protein forms I1250fs.
Identifiers: ClinVar variation 3400432 (VCV003400432.3).

ClinVar aggregate classification (germline): Pathogenic/Likely pathogenic. Review status: criteria provided, multiple submitters, no conflicts (2 of 4 stars). 3 submissions from 3 submitters: Pathogenic (2); Likely pathogenic (1). Last evaluated 2026-06-01.

Conditions:
Cardiovascular phenotype. Identifiers: MedGen CN230736.
Hypertrophic cardiomyopathy 4. Also called: Familial hypertrophic cardiomyopathy 4. Identifiers: MedGen C1861862, MONDO:0007268, OMIM 115197.

Submissions (3):

CeGaT Center for Human Genetics Tuebingen
Classification: Likely pathogenic. Last evaluated: 2026-06-01. Review status: criteria provided, single submitter. Criteria: CeGaT Center For Human Genetics Tuebingen Variant Classification Criteria Version 2. Collection method: clinical testing. Allele origin: germline. Affected: yes. Observed: 1 variant allele.
Comment: MYBPC3: PVS1:Strong, PM2

Clinical Genetics Laboratory, University Hospital Schleswig-Holstein
Classification: Pathogenic for Hypertrophic cardiomyopathy 4. Last evaluated: 2025-02-20. Review status: criteria provided, single submitter. Criteria: ACMG Guidelines, 2015. Collection method: clinical testing. Allele origin: germline. Affected: yes. Observed: 1 heterozygote.
Comment: ACMG criteria applied: PVS1, PM2, PP4

Ambry Genetics
Classification: Pathogenic for Cardiovascular phenotype. Last evaluated: 2024-11-26. Review status: criteria provided, single submitter. Criteria: Ambry Variant Classification Scheme 2023. Collection method: clinical testing. Allele origin: germline.
Comment: The c.3746dupG pathogenic mutation, located in coding exon 33 of the MYBPC3 gene, results from a duplication of G at nucleotide position 3746, causing a translational frameshift with a predicted alternate stop codon (p.I1250Hfs*16). This variant is considered to be rare based on population cohorts in the Genome Aggregation Database (gnomAD). This alteration is expected to result in loss of function by premature protein truncation or nonsense-mediated mRNA decay. As such, this alteration is interpreted as a disease-causing mutation.